The following is an entry in ClinVar:

NM_024312.5(GNPTAB):c.2681G>A (p.Trp894Ter)

Gene: GNPTAB (N-acetylglucosamine-1-phosphate transferase subunits alpha and beta; minus strand). Cytogenetic location: 12q23.2.
Variant type: single nucleotide variant.
Coding change: c.2681G>A on transcript NM_024312.5 (MANE Select); coding-DNA position 2681, G replaced by A.
Protein change: p.Trp894Ter; replaces tryptophan 894 with a stop codon.
Molecular consequence: nonsense.
Genome position (GRCh38, 1-based): chr12:101,764,236, C>T on the plus strand (G>A on the coding strand, the complement: GNPTAB is on the minus strand). VCF-style: chr12-101764236-C-T. GRCh37 (hg19) VCF-style: chr12-102158014-C-T.
Other names: AY687932:c.2681G>A; short protein forms W894*.
Identifiers: ClinVar variation 2767 (VCV000002767.6), dbSNP rs137852899, ClinGen allele CA340014.

ClinVar aggregate classification (germline): Pathogenic. Review status: criteria provided, single submitter (1 of 4 stars). 3 submissions from 3 submitters: Pathogenic (1). 2 of the submissions do not count toward it. Last evaluated 2024-03-06.

Conditions:
Pseudo-Hurler polydystrophy. Also called: ML IIIA; MUCOLIPIDOSIS IIIA; Mucolipidosis III Alpha/Beta; Type III Mucolipidosis; ML III; ML III ALPHA/BETA. Identifiers: Orphanet 423461, Orphanet 577, MedGen C0033788, MONDO:0018931, OMIM 252600.
Mucolipidosis type II. Also called: ML II ALPHA/BETA; Mucolipidosis 2; ML 2; Inclusion cell disease; Leroy Disease; N-acetylglucosamine 1phosphotransferase deficiency. Identifiers: Orphanet 576, MedGen C2673377, MONDO:0009650, OMIM 252500.

Allele frequency attached by ClinVar (database versions not stated): gnomAD exomes below 0.00001.

Submissions (3):

Labcorp Genetics (formerly Invitae), Labcorp
Classification: Pathogenic for Pseudo-Hurler polydystrophy; Mucolipidosis type II. Last evaluated: 2024-03-06. Review status: criteria provided, single submitter. Criteria: Invitae Variant Classification Sherloc (09022015). Collection method: clinical testing. Allele origin: germline.
Comment: This sequence change creates a premature translational stop signal (p.Trp894*) in the GNPTAB gene. It is expected to result in an absent or disrupted protein product. Loss-of-function variants in GNPTAB are known to be pathogenic (PMID: 19617216, 25107912). This variant is not present in population databases (gnomAD no frequency). This premature translational stop signal has been observed in individual(s) with mucolipidosis type II (PMID: 16116615). ClinVar contains an entry for this variant (Variation ID: 2767). For these reasons, this variant has been classified as Pathogenic.

OMIM
Classification: Pathogenic for MUCOLIPIDOSIS II ALPHA/BETA. Last evaluated: 2026-08-21. Review status: no assertion criteria provided. Collection method: literature only. Allele origin: germline. Not counted in ClinVar's aggregate classification.

GeneReviews
No classification provided. Condition: Mucolipidosis type II. Review status: no classification provided. Collection method: literature only. Allele origin: unknown. Not counted in ClinVar's aggregate classification.

Literature cited by the submitters: PubMed 19617216 (cited by Labcorp Genetics (formerly Invitae), Labcorp); PubMed 25107912 (cited by Labcorp Genetics (formerly Invitae), Labcorp); PubMed 16116615 (cited by Labcorp Genetics (formerly Invitae), Labcorp and GeneReviews); Paik, K. H., Song, S. M., Ki, C. S., Yu, H.-W., Kim, J. S., Min, K. H., Chang, S. H., Yoo, E. J., Lee, I. J., Kwan, E. K., Han, S. J., Jin, D.-K. Identification of mutations in the GNPTA (MGC4170) gene coding for GlcNAc-phosphotransferase alpha/beta subunits in Korean patients with mucolipidosis type II or type IIIA. Hum. Mutat. 26: 308-314, 2005. (cited by OMIM); PubMed 20301730 (cited by GeneReviews); NCBI Bookshelf NBK1828 (cited by GeneReviews).